The following is an entry in ClinVar:

NM_001366145.2(TRPM3):c.2281G>A (p.Ala761Thr)

Gene: TRPM3 (transient receptor potential cation channel subfamily M member 3; minus strand). Cytogenetic location: 9q21.12.
Variant type: single nucleotide variant.
Coding change: c.2281G>A on transcript NM_001366145.2 (MANE Select); coding-DNA position 2281, G replaced by A.
Protein change: p.Ala761Thr; replaces alanine 761 with threonine.
Molecular consequence: missense variant.
Genome position (GRCh38, 1-based): chr9:70,618,944, C>T on the plus strand (G>A on the coding strand, the complement: TRPM3 is on the minus strand). VCF-style: chr9-70618944-C-T. GRCh37 (hg19) VCF-style: chr9-73233860-C-T.
Other names: c.2245G>A, p.Ala749Thr (NM_001007471.4, NM_001366151.2); c.2251G>A, p.Ala751Thr (NM_001366141.2, NM_001366143.2, NM_001366149.2); c.2287G>A, p.Ala763Thr (NM_001366142.2); c.2281G>A, p.Ala761Thr (NM_001366146.2); c.2356G>A, p.Ala786Thr (NM_001366147.2, NM_001366152.2); c.2326G>A, p.Ala776Thr (NM_001366148.2); c.2215G>A, p.Ala739Thr (NM_001366150.2); c.1822G>A, p.Ala608Thr (NM_001366154.2, NM_024971.7); and 5 more; short protein forms A586T, A596T, A598T, A608T, A611T, A621T, A739T, A749T.
Identifiers: ClinVar variation 3371244 (VCV003371244.1).

ClinVar aggregate classification (germline): Uncertain significance (1 of 4 stars; one submission).

gnomAD v4.1: 1 of 1,613,768 alleles (0.000062%); highest among the groups gnomAD compares: South Asian, 0.0011%; no homozygotes.

Submission:

GeneDx
Classification: Uncertain significance. Last evaluated: 2024-03-28. Review status: criteria provided, single submitter. Criteria: GeneDx Variant Classification Process June 2021. Collection method: clinical testing. Allele origin: germline. Affected: yes.
Comment: In silico analysis supports that this missense variant has a deleterious effect on protein structure/function; Has not been previously published as pathogenic or benign to our knowledge